The following is an entry in ClinVar:

NC_000012.12:g.120291909G>T

Genes: RNU4-2 (RNA, U4 small nuclear 2; minus strand), SIRT4 (sirtuin 4; plus strand). Cytogenetic location: 12q24.23.
Variant type: single nucleotide variant.
Genome position: GRCh38 VCF-style: chr12-120291909-G-T. GRCh37 (hg19) VCF-style: chr12-120729712-G-T.
Identifiers: ClinVar variation 3905703 (VCV003905703.10).

ClinVar aggregate classification (germline): Likely benign (1 of 4 stars; one submission).

Submission:

CeGaT Center for Human Genetics Tuebingen
Classification: Likely benign. Last evaluated: 2026-07-01. Review status: criteria provided, single submitter. Criteria: CeGaT Center For Human Genetics Tuebingen Variant Classification Criteria Version 2. Collection method: clinical testing. Allele origin: germline. Affected: yes. Observed: 2 variant alleles.
Comment: RNU4-2: BS2